The following is an entry in ClinVar:

NM_006231.4(POLE):c.4229A>C (p.His1410Pro)

Gene: POLE (DNA polymerase epsilon, catalytic subunit; minus strand). Cytogenetic location: 12q24.33.
Variant type: single nucleotide variant.
Coding change: c.4229A>C on transcript NM_006231.4 (MANE Select); coding-DNA position 4229, A replaced by C.
Protein change: p.His1410Pro; replaces histidine 1410 with proline.
Molecular consequence: missense variant.
Genome position (GRCh38, 1-based): chr12:132,643,898, T>G on the plus strand (A>C on the coding strand, the complement: POLE is on the minus strand). VCF-style: chr12-132643898-T-G. GRCh37 (hg19) VCF-style: chr12-133220484-T-G.
Other names: short protein forms H1410P.
Identifiers: ClinVar variation 473656 (VCV000473656.55), dbSNP rs1313711311, ClinGen allele CA387382109.

ClinVar aggregate classification (germline): Uncertain significance. Review status: criteria provided, multiple submitters, no conflicts (2 of 4 stars). 6 submissions from 6 submitters: Uncertain significance (6). Last evaluated 2026-09-08.

Conditions:
Hereditary cancer-predisposing syndrome. Also called: Hereditary neoplastic syndrome; Tumor predisposition; Neoplastic Syndromes, Hereditary; Hereditary Cancer Syndrome. Identifiers: Orphanet 140162, MedGen C0027672, MeSH D009386, MONDO:0015356.

Allele frequency attached by ClinVar (database versions not stated): gnomAD exomes below 0.00001 and 0.00001; TOPMed 0.00001.
gnomAD v4.1: 4 of 1,614,192 alleles (0.00025%); highest among the groups gnomAD compares: Admixed American, 0.0017%; no homozygotes.

Submissions (6):

GeneDx
Classification: Uncertain significance. Last evaluated: 2026-09-08. Review status: criteria provided, single submitter. Criteria: GeneDx Variant Classification Process June 2021. Collection method: clinical testing. Allele origin: germline.
Comment: Not observed at significant frequency in large population cohorts (gnomAD); In silico analysis supports that this missense variant has a deleterious effect on protein structure/function; Has not been previously published as a pathogenic or benign germline variant to our knowledge; This variant is associated with the following publications: (PMID: 29056344, 31970404)

Women's Health and Genetics/Laboratory Corporation of America, LabCorp
Classification: Uncertain significance. Last evaluated: 2026-03-24. Review status: criteria provided, single submitter. Criteria: LabCorp Variant Classification Summary - May 2015. Collection method: clinical testing. Allele origin: germline.
Comment: Variant summary: POLE c.4229A>C (p.His1410Pro) results in a non-conservative amino acid change in the encoded protein sequence. Algorithms developed to predict the effect of missense changes on protein structure and function are either unavailable or do not agree on the potential impact of this missense change. The variant allele was found at a frequency of 4e-06 in 251440 control chromosomes. The available data on variant occurrences in the general population are insufficient to allow any conclusion about variant significance. c.4229A>C has been observed in individual(s) affected with cancer (Muskens_2020). These report(s) do not provide unequivocal conclusions about association of the variant with Facial Dysmorphism, Immunodeficiency, Livedo, And Short Stature. To our knowledge, no experimental evidence demonstrating an impact on protein function has been reported. The following publication have been ascertained in the context of this evaluation (PMID: 31970404). ClinVar contains an entry for this variant (Variation ID: 473656). Based on the evidence outlined above, the variant was classified as uncertain significance.

Labcorp Genetics (formerly Invitae), Labcorp
Classification: Uncertain significance. Last evaluated: 2025-09-22. Review status: criteria provided, single submitter. Criteria: Invitae Variant Classification Sherloc (09022015). Collection method: clinical testing. Allele origin: germline.
Comment: This sequence change replaces histidine, which is basic and polar, with proline, which is neutral and non-polar, at codon 1410 of the POLE protein (p.His1410Pro). This variant is present in population databases (no rsID available, gnomAD 0.003%). This variant has not been reported in the literature in individuals affected with POLE-related conditions. ClinVar contains an entry for this variant (Variation ID: 473656). Invitae Evidence Modeling of protein sequence and biophysical properties (such as structural, functional, and spatial information, amino acid conservation, physicochemical variation, residue mobility, and thermodynamic stability) indicates that this missense variant is expected to disrupt POLE protein function with a positive predictive value of 80%. In summary, the available evidence is currently insufficient to determine the role of this variant in disease. Therefore, it has been classified as a Variant of Uncertain Significance.

Ambry Genetics
Classification: Uncertain significance for Hereditary cancer-predisposing syndrome. Last evaluated: 2024-12-12. Review status: criteria provided, single submitter. Criteria: Ambry Variant Classification Scheme 2023. Collection method: clinical testing. Allele origin: germline.
Comment: The p.H1410P variant (also known as c.4229A>C), located in coding exon 33 of the POLE gene, results from an A to C substitution at nucleotide position 4229. The histidine at codon 1410 is replaced by proline, an amino acid with similar properties. This amino acid position is highly conserved in available vertebrate species. In addition, the in silico prediction for this alteration is inconclusive. Based on the available evidence, the clinical significance of this variant remains unclear.

CeGaT Center for Human Genetics Tuebingen
Classification: Uncertain significance. Last evaluated: 2017-10-01. Review status: criteria provided, single submitter. Criteria: CeGaT Center For Human Genetics Tuebingen Variant Classification Criteria Version 2. Collection method: clinical testing. Allele origin: germline. Affected: yes. Observed: 1 variant allele.

Breakthrough Genomics
Classification: Uncertain significance. Review status: criteria provided, single submitter. Criteria: ACMG Guidelines, 2015. Collection method: not provided. Allele origin: germline. Inheritance: Autosomal recessive inheritance. Affected: yes.

Literature cited by the submitters: PubMed 31970404 (cited by Women's Health and Genetics/Laboratory Corporation of America, LabCorp).